The following is an entry in ClinVar:

ClinVar aggregate classification (germline): Likely pathogenic (1 of 4 stars; one submission).

Conditions:
Neutral lipid storage myopathy (NLSDM). Also called: NEUTRAL LIPID STORAGE DISEASE WITHOUT ICHTHYOSIS. Identifiers: Orphanet 98908, MedGen C1853136, MONDO:0012545, OMIM 610717.

Submission:

Labcorp Genetics (formerly Invitae), Labcorp
Classification: Likely pathogenic for Neutral lipid storage myopathy. Last evaluated: 2024-03-02. Review status: criteria provided, single submitter. Criteria: Invitae Variant Classification Sherloc (09022015). Collection method: clinical testing. Allele origin: germline.
Comment: This sequence change affects an acceptor splice site in intron 3 of the PNPLA2 gene. It is expected to disrupt RNA splicing. Variants that disrupt the donor or acceptor splice site typically lead to a loss of protein function (PMID: 16199547), and loss-of-function variants in PNPLA2 are known to be pathogenic (PMID: 17187067). This variant is not present in population databases (gnomAD no frequency). This variant has not been reported in the literature in individuals affected with PNPLA2-related conditions. Algorithms developed to predict the effect of sequence changes on RNA splicing suggest that this variant may disrupt the consensus splice site. In summary, the currently available evidence indicates that the variant is pathogenic, but additional data are needed to prove that conclusively. Therefore, this variant has been classified as Likely Pathogenic.

Literature cited by the submitters: PubMed 16199547; PubMed 17187067.

NM_020376.4(PNPLA2):c.421-2A>T

Gene: PNPLA2 (patatin like domain 2, triacylglycerol lipase; plus strand). Cytogenetic location: 11p15.5.
Variant type: single nucleotide variant.
Coding change: c.421-2A>T on transcript NM_020376.4 (MANE Select); the canonical splice acceptor site of the intron before coding-DNA position 421, A replaced by T.
Molecular consequence: splice acceptor variant.
Genome position (GRCh38, 1-based): chr11:821,956, A>T. VCF-style: chr11-821956-A-T. GRCh37 (hg19) VCF-style: chr11-821956-A-T.
Identifiers: ClinVar variation 3644179 (VCV003644179.2).